The following is an entry in ClinVar:

NM_001374736.1(DST):c.14346A>C (p.Lys4782Asn)

Gene: DST (dystonin; minus strand). Cytogenetic location: 6p12.1.
Variant type: single nucleotide variant.
Coding change: c.14346A>C on transcript NM_001374736.1 (MANE Select); coding-DNA position 14346, A replaced by C.
Protein change: p.Lys4782Asn; replaces lysine 4782 with asparagine.
Molecular consequence: missense variant.
Genome position (GRCh38, 1-based): chr6:56,560,388, T>G on the plus strand (A>C on the coding strand, the complement: DST is on the minus strand). VCF-style: chr6-56560388-T-G. GRCh37 (hg19) VCF-style: chr6-56425186-T-G.
Other names: c.7989A>C, p.Lys2663Asn (NM_001144769.5); c.7575A>C, p.Lys2525Asn (NM_001144770.2); c.14346A>C, p.Lys4782Asn (NM_001374722.1); c.13713A>C, p.Lys4571Asn (NM_001374729.1); c.7455A>C, p.Lys2485Asn (NM_001374730.1, NM_001386100.1, NM_183380.4); c.14373A>C, p.Lys4791Asn (NM_001374734.1); c.6477A>C, p.Lys2159Asn (NM_015548.5); short protein forms K2663N, K4571N, K4782N, K2525N, K2159N, K2485N, K4791N.
Identifiers: ClinVar variation 1449378 (VCV001449378.6), dbSNP rs377094437, ClinGen allele CA364521976.

ClinVar aggregate classification (germline): Uncertain significance (1 of 4 stars; one submission).

Conditions:
Hereditary sensory and autonomic neuropathy type 6. Also called: HSAN VI; Neuropathy, hereditary sensory and autonomic, type VI. Identifiers: Orphanet 314381, MedGen C3539003, MONDO:0013839, OMIM 614653.
Epidermolysis bullosa simplex 3, localized or generalized intermediate, with BP230 deficiency (EBS3). Also called: Epidermolysis bullosa simplex, autosomal recessive 2; Epidermolysis bullosa simplex due to BP230 deficiency. Identifiers: Orphanet 412181, MedGen C3809470, MONDO:0014180, OMIM 615425.

Allele frequency attached by ClinVar (database versions not stated): TOPMed below 0.00001; gnomAD 0.00001.
gnomAD v4.1: 4 of 1,603,572 alleles (0.00025%); highest among the groups gnomAD compares: Admixed American, 0.0068%; no homozygotes.

Submission:

Labcorp Genetics (formerly Invitae), Labcorp
Classification: Uncertain significance for Epidermolysis bullosa simplex 3, localized or generalized intermediate, with BP230 deficiency; Hereditary sensory and autonomic neuropathy type 6. Last evaluated: 2022-08-11. Review status: criteria provided, single submitter. Criteria: Invitae Variant Classification Sherloc (09022015). Collection method: clinical testing. Allele origin: germline.
Comment: In summary, the available evidence is currently insufficient to determine the role of this variant in disease. Therefore, it has been classified as a Variant of Uncertain Significance. Experimental studies and prediction algorithms are not available or were not evaluated, and the functional significance of this variant is currently unknown. The DST gene has multiple clinically relevant transcripts. This variant occurs in alternate transcript NM_015548.4, and corresponds to NM_001723.5:c.*55129A>C in the primary transcript. This sequence change replaces lysine, which is basic and polar, with asparagine, which is neutral and polar, at codon 2159 of the DST protein (p.Lys2159Asn). This variant is present in population databases (no rsID available, gnomAD 0.006%). This variant has not been reported in the literature in individuals affected with DST-related conditions.